The following is an entry in ClinVar:

NM_001384732.1(CPLANE1):c.2759C>A (p.Ser920Tyr)

Gene: CPLANE1 (ciliogenesis and planar polarity effector complex subunit 1; minus strand). Cytogenetic location: 5p13.2.
Variant type: single nucleotide variant.
Coding change: c.2759C>A on transcript NM_001384732.1 (MANE Select); coding-DNA position 2759, C replaced by A.
Protein change: p.Ser920Tyr; replaces serine 920 with tyrosine.
Molecular consequence: missense variant.
Genome position (GRCh38, 1-based): chr5:37,213,720, G>T on the plus strand (C>A on the coding strand, the complement: CPLANE1 is on the minus strand). VCF-style: chr5-37213720-G-T. GRCh37 (hg19) VCF-style: chr5-37213822-G-T.
Other names: c.2759C>A, p.Ser920Tyr (NM_023073.4); short protein forms S920Y.
Identifiers: ClinVar variation 1493198 (VCV001493198.8), dbSNP rs2150249279, ClinGen allele CA359484674.

ClinVar aggregate classification (germline): Uncertain significance (1 of 4 stars; one submission).

Submission:

Labcorp Genetics (formerly Invitae), Labcorp
Classification: Uncertain significance. Last evaluated: 2022-10-24. Review status: criteria provided, single submitter. Criteria: Invitae Variant Classification Sherloc (09022015). Collection method: clinical testing. Allele origin: germline.
Comment: This sequence change replaces serine, which is neutral and polar, with tyrosine, which is neutral and polar, at codon 920 of the CPLANE1 protein (p.Ser920Tyr). This variant is not present in population databases (gnomAD no frequency). This variant has not been reported in the literature in individuals affected with CPLANE1-related conditions. ClinVar contains an entry for this variant (Variation ID: 1493198). Advanced modeling of protein sequence and biophysical properties (such as structural, functional, and spatial information, amino acid conservation, physicochemical variation, residue mobility, and thermodynamic stability) performed at Invitae indicates that this missense variant is not expected to disrupt CPLANE1 protein function. In summary, the available evidence is currently insufficient to determine the role of this variant in disease. Therefore, it has been classified as a Variant of Uncertain Significance.